The following is an entry in ClinVar:

ClinVar aggregate classification (germline): Pathogenic (1 of 4 stars; one submission).

Submission:

Labcorp Genetics (formerly Invitae), Labcorp
Classification: Pathogenic. Last evaluated: 2023-10-19. Review status: criteria provided, single submitter. Criteria: Invitae Variant Classification Sherloc (09022015). Collection method: clinical testing. Allele origin: germline.
Comment: This sequence change creates a premature translational stop signal (p.Lys325*) in the CYP17A1 gene. It is expected to result in an absent or disrupted protein product. Loss-of-function variants in CYP17A1 are known to be pathogenic (PMID: 10720067, 14747197, 17192295, 20197673, 24140098). This variant is not present in population databases (gnomAD no frequency). This variant has not been reported in the literature in individuals affected with CYP17A1-related conditions. For these reasons, this variant has been classified as Pathogenic.

Literature cited by the submitters: PubMed 10720067; PubMed 14747197; PubMed 17192295; PubMed 20197673; PubMed 24140098.

NM_000102.4(CYP17A1):c.973A>T (p.Lys325Ter)

Genes: CYP17A1 (cytochrome P450 family 17 subfamily A member 1; minus strand), CYP17A1-AS1 (CYP17A1 antisense RNA 1; plus strand). Cytogenetic location: 10q24.32.
Variant type: single nucleotide variant.
Coding change: c.973A>T on transcript NM_000102.4 (MANE Select); coding-DNA position 973, A replaced by T.
Protein change: p.Lys325Ter; replaces lysine 325 with a stop codon.
Molecular consequence: nonsense.
Genome position (GRCh38, 1-based): chr10:102,832,677, T>A on the plus strand (A>T on the coding strand, the complement: CYP17A1 is on the minus strand). VCF-style: chr10-102832677-T-A. GRCh37 (hg19) VCF-style: chr10-104592434-T-A.
Other names: short protein forms K325*.
Identifiers: ClinVar variation 2770064 (VCV002770064.3), dbSNP rs2493237790, ClinGen allele CA377939007.